The following is an entry in ClinVar:

NM_206965.2(FTCD):c.319T>C (p.Cys107Arg)

Gene: FTCD (formimidoyltransferase cyclodeaminase; minus strand). Cytogenetic location: 21q22.3.
Variant type: single nucleotide variant.
Coding change: c.319T>C on transcript NM_206965.2 (MANE Select); coding-DNA position 319, T replaced by C.
Protein change: p.Cys107Arg; replaces cysteine 107 with arginine.
Molecular consequence: missense variant.
Genome position (GRCh38, 1-based): chr21:46,152,955, A>G on the plus strand (T>C on the coding strand, the complement: FTCD is on the minus strand). VCF-style: chr21-46152955-A-G. GRCh37 (hg19) VCF-style: chr21-47572869-A-G.
Other names: c.319T>C, p.Cys107Arg (NM_001320412.2, NM_006657.3); short protein forms C107R.
Identifiers: ClinVar variation 665719 (VCV000665719.9), dbSNP rs377359525, ClinGen allele CA10073975.

ClinVar aggregate classification (germline): Conflicting classifications of pathogenicity. Review status: criteria provided, conflicting classifications (1 of 4 stars). 4 submissions from 4 submitters: Likely pathogenic (1); Uncertain significance (2). 1 of the submissions does not count toward it. Last evaluated 2024-04-24.

Conditions:
Inborn genetic diseases. Identifiers: MedGen C0950123, MeSH D030342.
Glutamate formiminotransferase deficiency. Also called: Arakawa syndrome 1; Formiminoglutamic aciduria. Identifiers: Orphanet 51208, MedGen C0268609, MONDO:0009240, OMIM 229100.
Intellectual disability. Also called: intellectual disabilities; Intellectual functioning disability; Intellectual developmental disorder. Identifiers: MedGen C3714756, MeSH D008607, MONDO:0001071, HP:0001249.

Allele frequency attached by ClinVar (database versions not stated): ExAC 0.00024; gnomAD exomes 0.00039 and 0.00050; gnomAD 0.00033; 1000 Genomes Project 0.00040; 1000 Genomes Project 30x 0.00031; ESP Exome Variant Server 0.00016; TOPMed 0.00035.
gnomAD v4.1: 752 of 1,562,668 alleles (0.048%); highest among the groups gnomAD compares: Admixed American, 0.065%; no homozygotes.

Submissions (4):

Fulgent Genetics
Classification: Likely pathogenic for Glutamate formiminotransferase deficiency. Last evaluated: 2024-04-24. Review status: criteria provided, single submitter. Criteria: ACMG Guidelines, 2015. Collection method: clinical testing. Allele origin: germline.

Labcorp Genetics (formerly Invitae), Labcorp
Classification: Uncertain significance for Glutamate formiminotransferase deficiency. Last evaluated: 2023-01-15. Review status: criteria provided, single submitter. Criteria: Invitae Variant Classification Sherloc (09022015). Collection method: clinical testing. Allele origin: germline.
Comment: This variant is present in population databases (rs377359525, gnomAD 0.07%). This missense change has been observed in individuals with formiminoglutamic aciduria (PMID: 29178637, 29869163). ClinVar contains an entry for this variant (Variation ID: 665719). Advanced modeling of protein sequence and biophysical properties (such as structural, functional, and spatial information, amino acid conservation, physicochemical variation, residue mobility, and thermodynamic stability) performed at Invitae indicates that this missense variant is expected to disrupt FTCD protein function. In summary, the available evidence is currently insufficient to determine the role of this variant in disease. Therefore, it has been classified as a Variant of Uncertain Significance. This sequence change replaces cysteine, which is neutral and slightly polar, with arginine, which is basic and polar, at codon 107 of the FTCD protein (p.Cys107Arg).

Ambry Genetics
Classification: Uncertain significance for Inborn genetic diseases. Last evaluated: 2021-10-19. Review status: criteria provided, single submitter. Criteria: Ambry Variant Classification Scheme 2023. Collection method: clinical testing. Allele origin: germline.

Centre de Biologie Pathologie Génétique, Centre Hospitalier Universitaire de Lille
Classification: Likely benign for Intellectual disability. Last evaluated: 2019-01-01. Review status: no assertion criteria provided. Collection method: clinical testing. Allele origin: inherited. Affected: yes. Not counted in ClinVar's aggregate classification.

Literature cited by the submitters: PubMed 29178637 (cited by Labcorp Genetics (formerly Invitae), Labcorp and Ambry Genetics); PubMed 29869163 (cited by Labcorp Genetics (formerly Invitae), Labcorp).